The following is an entry in ClinVar:

ClinVar aggregate classification (germline): Likely pathogenic. Review status: criteria provided, multiple submitters, no conflicts (2 of 4 stars). 2 submissions from 2 submitters: Likely pathogenic (2). Last evaluated 2024-10-08.

Conditions:
MYH9-related disorder. Identifiers: MedGen C1854520.

Submissions (2):

Mayo Clinic Laboratories, Mayo Clinic
Classification: Likely pathogenic. Last evaluated: 2024-10-08. Review status: criteria provided, single submitter. Criteria: ACMG Guidelines, 2015. Collection method: clinical testing. Allele origin: germline. Observed: 1 variant allele.
Comment: PP2, PP3, PM1, PM2_supporting, PS4_moderate

NIHR Bioresource Rare Diseases, University of Cambridge
Classification: Likely pathogenic for MYH9-related disorder. Last evaluated: 2018-12-12. Review status: criteria provided, single submitter. Criteria: ACMG Guidelines, 2015. Collection method: research. Allele origin: unknown. Inheritance: Autosomal dominant inheritance. Affected: yes. Observed: 1 heterozygote.
Comment: PS4, PM2, PP4, PP3

Literature cited by the submitters: PubMed 11590545 (cited by Mayo Clinic Laboratories, Mayo Clinic); PubMed 21210153 (cited by Mayo Clinic Laboratories, Mayo Clinic); PubMed 29090586 (cited by Mayo Clinic Laboratories, Mayo Clinic); PubMed 31064749 (cited by Mayo Clinic Laboratories, Mayo Clinic); PubMed 31562665 (cited by Mayo Clinic Laboratories, Mayo Clinic).

NM_002473.6(MYH9):c.1119G>C (p.Lys373Asn)

Gene: MYH9 (myosin heavy chain 9; minus strand). Cytogenetic location: 22q12.3.
Variant type: single nucleotide variant.
Coding change: c.1119G>C on transcript NM_002473.6 (MANE Select); coding-DNA position 1119, G replaced by C.
Protein change: p.Lys373Asn; replaces lysine 373 with asparagine.
Molecular consequence: missense variant.
Genome position (GRCh38, 1-based): chr22:36,318,315, C>G on the plus strand (G>C on the coding strand, the complement: MYH9 is on the minus strand). VCF-style: chr22-36318315-C-G. GRCh37 (hg19) VCF-style: chr22-36714360-C-G.
Other names: p.Lys373Asn; c.1119G>C (NM_002473.5); short protein forms K373N.
Identifiers: ClinVar variation 623107 (VCV000623107.4), dbSNP rs1603483388, ClinGen allele CA411403800.